The following is an entry in ClinVar:

NM_004553.6(NDUFS6):c.343T>C (p.Cys115Arg)

Gene: NDUFS6 (NADH:ubiquinone oxidoreductase subunit S6; plus strand). Cytogenetic location: 5p15.33.
Variant type: single nucleotide variant.
Coding change: c.343T>C on transcript NM_004553.6 (MANE Select); coding-DNA position 343, T replaced by C.
Protein change: p.Cys115Arg; replaces cysteine 115 with arginine.
Molecular consequence: missense variant.
Genome position (GRCh38, 1-based): chr5:1,815,884, T>C. VCF-style: chr5-1815884-T-C. GRCh37 (hg19) VCF-style: chr5-1815998-T-C.
Other names: c.343T>C (NM_004553.4); short protein forms C115R.
Identifiers: ClinVar variation 1456509 (VCV001456509.7), dbSNP rs2111364901, ClinGen allele CA359089735.

ClinVar aggregate classification (germline): Pathogenic/Likely pathogenic. Review status: criteria provided, multiple submitters, no conflicts (2 of 4 stars). 2 submissions from 2 submitters: Pathogenic (1); Likely pathogenic (1). Last evaluated 2024-04-11.

Conditions:
Mitochondrial complex I deficiency. Also called: NADH:Q(1) OXIDOREDUCTASE DEFICIENCY. Identifiers: Orphanet 2609, MedGen C1838979, MeSH C537475, MONDO:0100133.

Submissions (2):

Natera, Inc.
Classification: Likely pathogenic for Mitochondrial complex I deficiency. Last evaluated: 2024-04-11. Review status: criteria provided, single submitter. Criteria: Natera Variant Classification Schema (03/2026). Collection method: clinical testing. Allele origin: germline.
Comment: The c.343T>C variant in NDUFS6 is a missense variant predicted to cause substitution of cysteine to arginine at amino acid 115. This variant is rare in the general population with a frequency below the threshold expected for the associated phenotype(s). This variant has been observed in one or more individuals affected with the associated recessive disease, as either homozygous or compound heterozygous with a second variant (PMID: 28429146, 30948790). A different variant at the same position has been determined to be Pathogenic or Likely Pathogenic. Computational prediction algorithms indicate this variant is likely to affect gene or protein function. Given the available evidence, this variant is classified as Likely Pathogenic.

Labcorp Genetics (formerly Invitae), Labcorp
Classification: Pathogenic. Last evaluated: 2022-02-10. Review status: criteria provided, single submitter. Criteria: Invitae Variant Classification Sherloc (09022015). Collection method: clinical testing. Allele origin: germline.
Comment: This missense change has been observed in individual(s) with mitochondrial complex I deficiency (PMID: 28429146, 30948790, 31967322). In at least one individual the data is consistent with being in trans (on the opposite chromosome) from a pathogenic variant. Algorithms developed to predict the effect of missense changes on protein structure and function (SIFT, PolyPhen-2, Align-GVGD) all suggest that this variant is likely to be disruptive. This variant disrupts the p.Cys115 amino acid residue in NDUFS6. Other variant(s) that disrupt this residue have been observed in individuals with NDUFS6-related conditions (PMID: 19259137), which suggests that this may be a clinically significant amino acid residue. For these reasons, this variant has been classified as Pathogenic. This variant is not present in population databases (gnomAD no frequency). This sequence change replaces cysteine, which is neutral and slightly polar, with arginine, which is basic and polar, at codon 115 of the NDUFS6 protein (p.Cys115Arg).

Literature cited by the submitters: PubMed 28429146 (cited by Natera, Inc. and Labcorp Genetics (formerly Invitae), Labcorp); PubMed 30948790 (cited by Natera, Inc. and Labcorp Genetics (formerly Invitae), Labcorp); PubMed 31967322 (cited by Labcorp Genetics (formerly Invitae), Labcorp); PubMed 19259137 (cited by Labcorp Genetics (formerly Invitae), Labcorp).